The following is an entry in ClinVar:

NM_002772.3(TMPRSS15):c.2033-1G>A

Gene: TMPRSS15 (transmembrane serine protease 15; minus strand). Cytogenetic location: 21q21.1.
Variant type: single nucleotide variant.
Coding change: c.2033-1G>A on transcript NM_002772.3 (MANE Select); the canonical splice acceptor site of the intron before coding-DNA position 2033, G replaced by A.
Molecular consequence: splice acceptor variant.
Genome position (GRCh38, 1-based): chr21:18,313,078, C>T on the plus strand (G>A on the coding strand, the complement: TMPRSS15 is on the minus strand). VCF-style: chr21-18313078-C-T. GRCh37 (hg19) VCF-style: chr21-19685395-C-T.
Identifiers: ClinVar variation 2049508 (VCV002049508.6), dbSNP rs757525993, ClinGen allele CA9984210.

ClinVar aggregate classification (germline): Likely pathogenic. Review status: criteria provided, multiple submitters, no conflicts (2 of 4 stars). 2 submissions from 2 submitters: Likely pathogenic (2). Last evaluated 2026-01-30.

gnomAD v4.1: 6 of 1,611,158 alleles (0.00037%); highest among the groups gnomAD compares: Admixed American, 0.0017%; no homozygotes.

Submissions (2):

Dasa
Classification: Likely pathogenic. Last evaluated: 2026-01-30. Review status: criteria provided, single submitter. Criteria: DASA Assertion Criteria. Collection method: clinical testing. Allele origin: germline.
Comment: NM_002772.3(TMPRSS15):c.2033-1G>A affects a canonical splice site and is predicted to disrupt normal RNA splicing. Loss of function is an established disease mechanism for TMPRSS15-associated disorders. Also, this variant is rare in population databases. Based on the currently available evidence, this variant is classified as likely pathogenic.

Labcorp Genetics (formerly Invitae), Labcorp
Classification: Likely pathogenic. Last evaluated: 2022-10-13. Review status: criteria provided, single submitter. Criteria: Invitae Variant Classification Sherloc (09022015). Collection method: clinical testing. Allele origin: germline.
Comment: In summary, the currently available evidence indicates that the variant is pathogenic, but additional data are needed to prove that conclusively. Therefore, this variant has been classified as Likely Pathogenic. Algorithms developed to predict the effect of sequence changes on RNA splicing suggest that this variant may disrupt the consensus splice site. This variant has not been reported in the literature in individuals affected with TMPRSS15-related conditions. This variant is present in population databases (rs757525993, gnomAD 0.003%). This sequence change affects an acceptor splice site in intron 17 of the TMPRSS15 gene. It is expected to disrupt RNA splicing. Variants that disrupt the donor or acceptor splice site typically lead to a loss of protein function (PMID: 16199547), and loss-of-function variants in TMPRSS15 are known to be pathogenic (PMID: 11719902).

Literature cited by the submitters: PubMed 16199547 (cited by Labcorp Genetics (formerly Invitae), Labcorp); PubMed 11719902 (cited by Labcorp Genetics (formerly Invitae), Labcorp).